The following is an entry in ClinVar:

NM_001814.6(CTSC):c.1318C>T (p.Arg440Trp)

Gene: CTSC (cathepsin C; minus strand). Cytogenetic location: 11q14.2.
Variant type: single nucleotide variant.
Coding change: c.1318C>T on transcript NM_001814.6 (MANE Select); coding-DNA position 1318, C replaced by T.
Protein change: p.Arg440Trp; replaces arginine 440 with tryptophan.
Molecular consequence: missense variant.
Genome position (GRCh38, 1-based): chr11:88,294,080, G>A on the plus strand (C>T on the coding strand, the complement: CTSC is on the minus strand). VCF-style: chr11-88294080-G-A. GRCh37 (hg19) VCF-style: chr11-88027248-G-A.
Other names: short protein forms R440W.
Identifiers: ClinVar variation 1446879 (VCV001446879.3), dbSNP rs754353507, ClinGen allele CA6219730.

ClinVar aggregate classification (germline): Uncertain significance (1 of 4 stars; one submission).

Conditions:
Papillon-Lefèvre syndrome (PALS). Also called: KERATOSIS PALMOPLANTARIS WITH PERIODONTOPATHIA; Papillon-Lefevre Disease. Identifiers: Orphanet 678, MedGen C0030360, MONDO:0009490, OMIM 245000.
Periodontitis, aggressive. Identifiers: MedGen C0031106, MONDO:0980757.
Haim-Munk syndrome (HMS). Also called: COCHIN JEWISH DISORDER; KERATOSIS PALMOPLANTARIS WITH PERIODONTOPATHIA AND ONYCHOGRYPOSIS. Identifiers: Orphanet 2342, MedGen C1855627, MONDO:0009491, OMIM 245010.

Allele frequency attached by ClinVar (database versions not stated): ExAC 0.00002; gnomAD 0.00004.
gnomAD v4.1: 123 of 1,613,920 alleles (0.0076%); highest among the groups gnomAD compares: East Asian, 0.038%; no homozygotes.

Submission:

Labcorp Genetics (formerly Invitae), Labcorp
Classification: Uncertain significance for Haim-Munk syndrome; Periodontitis, aggressive; Papillon-Lefèvre syndrome. Last evaluated: 2022-05-03. Review status: criteria provided, single submitter. Criteria: Invitae Variant Classification Sherloc (09022015). Collection method: clinical testing. Allele origin: germline.
Comment: This sequence change replaces arginine, which is basic and polar, with tryptophan, which is neutral and slightly polar, at codon 440 of the CTSC protein (p.Arg440Trp). This variant is present in population databases (rs754353507, gnomAD 0.02%). This variant has not been reported in the literature in individuals affected with CTSC-related conditions. Algorithms developed to predict the effect of missense changes on protein structure and function are either unavailable or do not agree on the potential impact of this missense change (SIFT: "Not Available"; PolyPhen-2: "Possibly Damaging"; Align-GVGD: "Not Available"). In summary, the available evidence is currently insufficient to determine the role of this variant in disease. Therefore, it has been classified as a Variant of Uncertain Significance.